The following is an entry in ClinVar:

ClinVar aggregate classification (germline): Likely pathogenic (1 of 4 stars; one submission).

Conditions:
Glycine encephalopathy. Also called: Non-ketotic hyperglycinemia; Nonketotic hyperglycinemia. Identifiers: Orphanet 407, MedGen C0751748, MONDO:0011612, HP:0008288.

Submission:

Myriad Genetics, Inc.
Classification: Likely pathogenic for Glycine encephalopathy 1. Last evaluated: 2019-11-18. Review status: criteria provided, single submitter. Criteria: Myriad Women's Health Autosomal Recessive and X-Linked Classification Criteria (2019). Collection method: clinical testing. Allele origin: unknown.
Comment: NM_000170.2(GLDC):c.433C>T(Q145*) is expected to be pathogenic in the context of GLDC-related glycine encephalopathy. This variant is predicted to lead to an abnormal or absent protein product due to the creation of a premature termination codon in GLDC, a gene where loss-of-function variants are known to be pathogenic. Please note: this variant was assessed in the context of healthy population screening.

NM_000170.3(GLDC):c.433C>T (p.Gln145Ter)

Gene: GLDC (glycine decarboxylase; minus strand). Cytogenetic location: 9p24.1.
Variant type: single nucleotide variant.
Coding change: c.433C>T on transcript NM_000170.3 (MANE Select); coding-DNA position 433, C replaced by T.
Protein change: p.Gln145Ter; replaces glutamine 145 with a stop codon.
Molecular consequence: nonsense.
Genome position (GRCh38, 1-based): chr9:6,620,221, G>A on the plus strand (C>T on the coding strand, the complement: GLDC is on the minus strand). VCF-style: chr9-6620221-G-A. GRCh37 (hg19) VCF-style: chr9-6620221-G-A.
Other names: short protein forms Q145*.
Identifiers: ClinVar variation 984335 (VCV000984335.3), dbSNP rs1819059889, ClinGen allele CA372879299.